The following is an entry in ClinVar:

NM_053025.4(MYLK):c.2416C>T (p.Gln806Ter)

Gene: MYLK (myosin light chain kinase; minus strand). Cytogenetic location: 3q21.1.
Variant type: single nucleotide variant.
Coding change: c.2416C>T on transcript NM_053025.4 (MANE Select); coding-DNA position 2416, C replaced by T.
Protein change: p.Gln806Ter; replaces glutamine 806 with a stop codon.
Molecular consequence: nonsense.
Genome position (GRCh38, 1-based): chr3:123,701,484, G>A on the plus strand (C>T on the coding strand, the complement: MYLK is on the minus strand). VCF-style: chr3-123701484-G-A. GRCh37 (hg19) VCF-style: chr3-123420331-G-A.
Other names: c.1888C>T, p.Gln630Ter (NM_001321309.2); c.2209C>T, p.Gln737Ter (NM_053026.4, NM_053028.4); c.2416C>T, p.Gln806Ter (NM_053027.4); short protein forms Q737*, Q630*, Q806*.
Identifiers: ClinVar variation 1975304 (VCV001975304.5), dbSNP rs2474203631, ClinGen allele CA354232712.

ClinVar aggregate classification (germline): Uncertain significance (1 of 4 stars; one submission).

Conditions:
Aortic aneurysm, familial thoracic 7 (AAT7). Also called: AORTIC DISSECTION, FAMILIAL, WITH OR WITHOUT AORTIC ANEURYSM. Identifiers: MedGen C3151077, MONDO:0013418, OMIM 613780.

Submission:

Labcorp Genetics (formerly Invitae), Labcorp
Classification: Uncertain significance for Aortic aneurysm, familial thoracic 7. Last evaluated: 2022-07-17. Review status: criteria provided, single submitter. Criteria: Invitae Variant Classification Sherloc (09022015). Collection method: clinical testing. Allele origin: germline.
Comment: This sequence change creates a premature translational stop signal (p.Gln806*) in the MYLK gene. This variant occurs in the long isoform of MYLK (PMID: 21055718). The current clinical and genetic evidence is not sufficient to establish whether loss-of-function variants in the long isoform of MYLK cause disease. This variant is not present in population databases (gnomAD no frequency). In summary, the available evidence is currently insufficient to determine the role of this variant in disease. Therefore, it has been classified as a Variant of Uncertain Significance. Algorithms developed to predict the effect of sequence changes on RNA splicing suggest that this variant may disrupt the consensus splice site. This variant has not been reported in the literature in individuals affected with MYLK-related conditions.

Literature cited by the submitters: PubMed 21055718.